The following is an entry in ClinVar:

NM_032242.4(PLXNA1):c.3895+6T>C

Gene: PLXNA1 (plexin A1; plus strand). Cytogenetic location: 3q21.3.
Variant type: single nucleotide variant.
Coding change: c.3895+6T>C on transcript NM_032242.4 (MANE Select); 6 bases into the intron after coding-DNA position 3895, T replaced by C.
Molecular consequence: intron variant.
Genome position (GRCh38, 1-based): chr3:127,018,534, T>C. VCF-style: chr3-127018534-T-C. GRCh37 (hg19) VCF-style: chr3-126737377-T-C.
Identifiers: ClinVar variation 3349163 (VCV003349163.1).

ClinVar aggregate classification (germline): Likely benign (0 of 4 stars; one submission).

Conditions:
PLXNA1-related disorder. Also called: PLXNA1-related condition.

gnomAD v4.1: 3 of 1,602,948 alleles (0.00019%); highest among the groups gnomAD compares: Non-Finnish European, 0.00026%; no homozygotes.

Submission:

PreventionGenetics, part of Exact Sciences
Classification: Likely benign for PLXNA1-related condition. Last evaluated: 2024-01-22. Review status: no assertion criteria provided. Collection method: clinical testing. Allele origin: germline.
Comment: This variant is classified as likely benign based on ACMG/AMP sequence variant interpretation guidelines (Richards et al. 2015 PMID: 25741868, with internal and published modifications).